The following is an entry in ClinVar:

NM_000179.3(MSH6):c.4060C>T (p.Leu1354=)

Gene: MSH6 (mutS homolog 6; plus strand). Cytogenetic location: 2p16.3.
Variant type: single nucleotide variant.
Coding change: c.4060C>T on transcript NM_000179.3 (MANE Select); coding-DNA position 4060, C replaced by T.
Protein change: p.Leu1354=; no amino-acid change (leucine 1354 retained).
Molecular consequence: synonymous variant.
Genome position (GRCh38, 1-based): chr2:47,806,837, C>T. VCF-style: chr2-47806837-C-T. GRCh37 (hg19) VCF-style: chr2-48033976-C-T.
Other names: c.3670C>T, p.Leu1224= (NM_001281492.2); c.3154C>T, p.Leu1052= (NM_001281493.2, NM_001281494.2).
Identifiers: ClinVar variation 381501 (VCV000381501.11), dbSNP rs1057521054, ClinGen allele CA16604314.
Genomic context (GRCh38, chr2:47,806,837, plus strand): 5'-AGGGAAGTTTGCCTGGCTAGTGAAAGGTCAACTGTAGATGCTGAAGCTGTCCATAAATTG[C>T]TGACTTTGATTAAGGAATTATAGACTGACTACATTGGAAGCTTTGAGTTGACTTCTGACA-3'
Protein context (NP_000170.1, residues 1344-1360): TVDAEAVHKL[Leu1354=]TLIKEL

ClinVar aggregate classification (germline): Likely benign. Review status: criteria provided, multiple submitters, no conflicts (2 of 4 stars). 3 submissions from 3 submitters: Likely benign (3). Last evaluated 2024-07-13.

Conditions:
Hereditary cancer-predisposing syndrome. Also called: Tumor predisposition; Hereditary neoplastic syndrome; Neoplastic Syndromes, Hereditary; Hereditary Cancer Syndrome. Identifiers: Orphanet 140162, MedGen C0027672, MeSH D009386, MONDO:0015356.
Hereditary nonpolyposis colorectal neoplasms. Identifiers: MedGen C0009405, MeSH D003123.

Submissions (3):

Ambry Genetics
Classification: Likely benign for Hereditary cancer-predisposing syndrome. Last evaluated: 2024-07-13. Review status: criteria provided, single submitter. Criteria: Ambry Variant Classification Scheme 2023. Collection method: clinical testing. Allele origin: germline.

Labcorp Genetics (formerly Invitae), Labcorp
Classification: Likely benign for Hereditary nonpolyposis colorectal neoplasms. Last evaluated: 2023-10-06. Review status: criteria provided, single submitter. Criteria: Invitae Variant Classification Sherloc (09022015). Collection method: clinical testing. Allele origin: germline.

GeneDx
Classification: Likely benign. Last evaluated: 2016-08-22. Review status: criteria provided, single submitter. Criteria: GeneDx Variant Classification (06012015). Collection method: clinical testing. Allele origin: germline. Affected: yes.
Comment: This variant is considered likely benign or benign based on one or more of the following criteria: it is a conservative change, it occurs at a poorly conserved position in the protein, it is predicted to be benign by multiple in silico algorithms, and/or has population frequency not consistent with disease.